The following is an entry in ClinVar:

NM_000384.3(APOB):c.1844T>C (p.Val615Ala)

Gene: APOB (apolipoprotein B; minus strand). Cytogenetic location: 2p24.1.
Variant type: single nucleotide variant.
Coding change: c.1844T>C on transcript NM_000384.3 (MANE Select); coding-DNA position 1844, T replaced by C.
Protein change: p.Val615Ala; replaces valine 615 with alanine.
Molecular consequence: missense variant.
Genome position (GRCh38, 1-based): chr2:21,028,051, A>G on the plus strand (T>C on the coding strand, the complement: APOB is on the minus strand). VCF-style: chr2-21028051-A-G. GRCh37 (hg19) VCF-style: chr2-21250923-A-G.
Other names: short protein forms V615A.
Identifiers: ClinVar variation 1431521 (VCV001431521.11), dbSNP rs1301197571, ClinGen allele CA346013910.

ClinVar aggregate classification (germline): Conflicting classifications of pathogenicity. Review status: criteria provided, conflicting classifications (1 of 4 stars). 3 submissions from 3 submitters: Uncertain significance (2); Likely benign (1). Last evaluated 2025-12-26.

Conditions:
Familial hypobetalipoproteinemia 1. Also called: APOB-Related Familial Hypobetalipoproteinemia; Hypobetalipoproteinemia, normotriglyceridemic; Acanthocytosis with hypobetalipoproteinemia. Identifiers: MedGen C4551990, MONDO:0014252, OMIM 615558.
Hypercholesterolemia, autosomal dominant, type B (FHCL2). Also called: Familial Hypercholesterolemia Type B; APOLIPOPROTEIN B-100, FAMILIAL DEFECTIVE; APOLIPOPROTEIN B-100, FAMILIAL LIGAND-DEFECTIVE; HYPERCHOLESTEROLEMIA, FAMILIAL, DUE TO LIGAND-DEFECTIVE APOLIPOPROTEIN B; Familial hypercholesterolemia 2; Hyperlipoproteinemia Type IIb. Identifiers: MedGen C1704417, MONDO:0007751, OMIM 144010.
Cardiovascular phenotype. Identifiers: MedGen CN230736.

Allele frequency attached by ClinVar (database versions not stated): gnomAD 0.00001; gnomAD exomes 0.00001; TOPMed 0.00002.
gnomAD v4.1: 11 of 1,609,736 alleles (0.00068%); highest among the groups gnomAD compares: Non-Finnish European, 0.00085%; no homozygotes.

Submissions (3):

Labcorp Genetics (formerly Invitae), Labcorp
Classification: Likely benign for Familial hypobetalipoproteinemia 1; Hypercholesterolemia, autosomal dominant, type B. Last evaluated: 2025-12-26. Review status: criteria provided, single submitter. Criteria: Invitae Variant Classification Sherloc (09022015). Collection method: clinical testing. Allele origin: germline.

Women's Health and Genetics/Laboratory Corporation of America, LabCorp
Classification: Uncertain significance. Last evaluated: 2025-11-06. Review status: criteria provided, single submitter. Criteria: LabCorp Variant Classification Summary - May 2015. Collection method: clinical testing. Allele origin: germline.
Comment: Variant summary: APOB c.1844T>C (p.Val615Ala) results in a non-conservative amino acid change in the encoded protein sequence. Algorithms developed to predict the effect of missense changes on protein structure and function are either unavailable or do not agree on the potential impact of this missense change. The variant was absent in 251268 control chromosomes. The available data on variant occurrences in the general population are insufficient to allow any conclusion about variant significance. To our knowledge, no occurrence of c.1844T>C in individuals affected with APOB-related conditions and no experimental evidence demonstrating its impact on protein function have been reported. ClinVar contains an entry for this variant (Variation ID: 1431521). Based on the evidence outlined above, the variant was classified as uncertain significance.

Ambry Genetics
Classification: Uncertain significance for Cardiovascular phenotype. Last evaluated: 2022-10-01. Review status: criteria provided, single submitter. Criteria: Ambry Variant Classification Scheme 2023. Collection method: clinical testing. Allele origin: germline.
Comment: The p.V615A variant (also known as c.1844T>C), located in coding exon 14 of the APOB gene, results from a T to C substitution at nucleotide position 1844. The valine at codon 615 is replaced by alanine, an amino acid with similar properties. This amino acid position is not well conserved in available vertebrate species. In addition, this alteration is predicted to be tolerated by in silico analysis. Since supporting evidence is limited at this time, the clinical significance of this alteration remains unclear.